The following is an entry in ClinVar:

ClinVar aggregate classification (germline): Pathogenic (1 of 4 stars; one submission).

Conditions:
GTP cyclohydrolase I deficiency. Identifiers: MedGen C0268467, MONDO:0100184.
Dystonia 5 (DRD). Also called: DYSTONIA, PROGRESSIVE, WITH DIURNAL VARIATION; DYSTONIA-PARKINSONISM WITH DIURNAL FLUCTUATION; DYT-GCH1; Dystonia, DOPA-responsive, with or without hyperphenylalaninemia; GTP Cyclohydrolase 1-Deficient Dopa-Responsive Dystonia. Identifiers: Orphanet 98808, MedGen C1851920, MONDO:0007495, OMIM 128230.

Submission:

Labcorp Genetics (formerly Invitae), Labcorp
Classification: Pathogenic for GTP cyclohydrolase I deficiency; Dystonia 5. Last evaluated: 2025-01-15. Review status: criteria provided, single submitter. Criteria: Invitae Variant Classification Sherloc (09022015). Collection method: clinical testing. Allele origin: germline.
Comment: This sequence change creates a premature translational stop signal (p.Glu242*) in the GCH1 gene. While this is not anticipated to result in nonsense mediated decay, it is expected to disrupt the last 9 amino acid(s) of the GCH1 protein. This variant is not present in population databases (gnomAD no frequency). This premature translational stop signal has been observed in individual(s) with dopa-responsive dystonia (internal data). ClinVar contains an entry for this variant (Variation ID: 1432028). Algorithms developed to predict the effect of sequence changes on RNA splicing suggest that this variant may create or strengthen a splice site. This variant disrupts a region of the GCH1 protein in which other variant(s) (p.Glu243Phefs*5) have been determined to be pathogenic (PMID: 15390021). This suggests that this is a clinically significant region of the protein, and that variants that disrupt it are likely to be disease-causing. For these reasons, this variant has been classified as Pathogenic.

Literature cited by the submitters: PubMed 15390021.

NM_000161.3(GCH1):c.724G>T (p.Glu242Ter)

Gene: GCH1 (GTP cyclohydrolase 1; minus strand). Cytogenetic location: 14q22.2.
Variant type: single nucleotide variant.
Coding change: c.724G>T on transcript NM_000161.3 (MANE Select); coding-DNA position 724, G replaced by T.
Protein change: p.Glu242Ter; replaces glutamic acid 242 with a stop codon.
Molecular consequence: nonsense. On other transcripts: intron variant (2).
Genome position (GRCh38, 1-based): chr14:54,844,046, C>A on the plus strand (G>T on the coding strand, the complement: GCH1 is on the minus strand). VCF-style: chr14-54844046-C-A. GRCh37 (hg19) VCF-style: chr14-55310764-C-A.
Other names: c.724G>T, p.Glu242Ter (NM_001024024.2); c.627-992G>T (NM_001024071.2); c.627-177G>T (NM_001024070.2); short protein forms E242*.
Identifiers: ClinVar variation 1432028 (VCV001432028.6), dbSNP rs1296731359, ClinGen allele CA389786674.